The following is an entry in ClinVar:

ClinVar aggregate classification (germline): Uncertain significance. Review status: criteria provided, multiple submitters, no conflicts (2 of 4 stars). 3 submissions from 3 submitters: Uncertain significance (3). Last evaluated 2026-10-26.

Conditions:
TTN-related disorder. Also called: TTN-related condition; TTN-related disease; TTN-related disorders.

Allele frequency attached by ClinVar (database versions not stated): gnomAD exomes below 0.00001; gnomAD 0.00004; ExAC 0.00001; TOPMed 0.00004; ESP Exome Variant Server 0.00008.

Submissions (3):

GeneDx
Classification: Uncertain significance. Last evaluated: 2026-10-26. Review status: criteria provided, single submitter. Criteria: GeneDx Variant Classification Process June 2021. Collection method: clinical testing. Allele origin: germline.
Comment: Not observed at significant frequency in large population cohorts (gnomAD); Missense variant in a gene in which most reported pathogenic variants are truncating/loss of function; Has not been previously published as pathogenic or benign to our knowledge

PreventionGenetics, part of Exact Sciences
Classification: Uncertain significance for TTN-related condition. Last evaluated: 2026-01-30. Review status: criteria provided, single submitter. Criteria: ACMG Guidelines, 2015. Collection method: clinical testing. Allele origin: germline.
Comment: The TTN c.97036A>C variant is predicted to result in the amino acid substitution p.Lys32346Gln. To our knowledge, this variant has not been reported in the literature. This variant is reported in 0.0065% of alleles in individuals of African descent in gnomAD. At this time, the clinical significance of this variant is uncertain due to the absence of conclusive functional and genetic evidence.

Revvity Omics, Revvity
Classification: Uncertain significance. Last evaluated: 2023-06-30. Review status: criteria provided, single submitter. Criteria: ACMG Guidelines, 2015. Collection method: clinical testing. Allele origin: germline.

NM_001267550.2(TTN):c.97036A>C (p.Lys32346Gln)

Genes: TTN (titin; minus strand), TTN-AS1 (TTN antisense RNA 1; plus strand). Cytogenetic location: 2q31.2.
Variant type: single nucleotide variant.
Coding change: c.97036A>C on transcript NM_001267550.2 (MANE Select); coding-DNA position 97036, A replaced by C.
Protein change: p.Lys32346Gln; replaces lysine 32346 with glutamine.
Molecular consequence: missense variant.
Genome position (GRCh38, 1-based): chr2:178,542,818, T>G on the plus strand (A>C on the coding strand, the complement: TTN is on the minus strand). VCF-style: chr2-178542818-T-G. GRCh37 (hg19) VCF-style: chr2-179407545-T-G.
Other names: c.92113A>C, p.Lys30705Gln (NM_001256850.1); c.69841A>C, p.Lys23281Gln (NM_003319.4); c.89332A>C, p.Lys29778Gln (NM_133378.4); c.70216A>C, p.Lys23406Gln (NM_133432.3); c.70417A>C, p.Lys23473Gln (NM_133437.4); short protein forms K23281Q, K23406Q, K23473Q, K29778Q, K30705Q, K32346Q.
Identifiers: ClinVar variation 2690318 (VCV002690318.5), dbSNP rs372803018, ClinGen allele CA1986641.